The following is an entry in ClinVar:

ClinVar aggregate classification (germline): Uncertain significance (1 of 4 stars; one submission).

Conditions:
Nemaline myopathy 8 (NEM8). Also called: Nemaline myopathy 8, autosomal recessive. Identifiers: Orphanet 171430, MedGen C3809209, MONDO:0014138, OMIM 615348.

Allele frequency attached by ClinVar (database versions not stated): gnomAD exomes below 0.00001; ExAC 0.00001; gnomAD 0.00001 and 0.00002; TOPMed 0.00001; ESP Exome Variant Server 0.00008.

Submission:

Labcorp Genetics (formerly Invitae), Labcorp
Classification: Uncertain significance for Nemaline myopathy 8. Last evaluated: 2025-09-08. Review status: criteria provided, single submitter. Criteria: Invitae Variant Classification Sherloc (09022015). Collection method: clinical testing. Allele origin: germline.
Comment: This sequence change replaces leucine, which is neutral and non-polar, with phenylalanine, which is neutral and non-polar, at codon 130 of the KLHL40 protein (p.Leu130Phe). The frequency data for this variant in the population databases is considered unreliable, as metrics indicate poor data quality at this position in the gnomAD database. This variant has not been reported in the literature in individuals affected with KLHL40-related conditions. ClinVar contains an entry for this variant (Variation ID: 1360141). Invitae Evidence Modeling of protein sequence and biophysical properties (such as structural, functional, and spatial information, amino acid conservation, physicochemical variation, residue mobility, and thermodynamic stability) indicates that this missense variant is not expected to disrupt KLHL40 protein function with a negative predictive value of 80%. In summary, the available evidence is currently insufficient to determine the role of this variant in disease. Therefore, it has been classified as a Variant of Uncertain Significance.

NM_152393.4(KLHL40):c.388C>T (p.Leu130Phe)

Gene: KLHL40 (kelch like family member 40; plus strand). Cytogenetic location: 3p22.1.
Variant type: single nucleotide variant.
Coding change: c.388C>T on transcript NM_152393.4 (MANE Select); coding-DNA position 388, C replaced by T.
Protein change: p.Leu130Phe; replaces leucine 130 with phenylalanine.
Molecular consequence: missense variant.
Genome position (GRCh38, 1-based): chr3:42,686,006, C>T. VCF-style: chr3-42686006-C-T. GRCh37 (hg19) VCF-style: chr3-42727498-C-T.
Other names: short protein forms L130F.
Identifiers: ClinVar variation 1360141 (VCV001360141.8), dbSNP rs142509355, ClinGen allele CA2336641.